The following is an entry in ClinVar:

ClinVar aggregate classification (germline): Uncertain significance (1 of 4 stars; one submission).

Conditions:
Brown-Vialetto-van Laere syndrome 2. Also called: SPINOCEREBELLAR ATAXIA WITH BLINDNESS AND DEAFNESS 2; Riboflavin transporter deficiency type 2. Identifiers: Orphanet 572543, Orphanet 97229, MedGen C3553538, MONDO:0013867, OMIM 614707.

Allele frequency attached by ClinVar (database versions not stated): gnomAD exomes below 0.00001; ExAC 0.00001.

Submission:

Labcorp Genetics (formerly Invitae), Labcorp
Classification: Uncertain significance for Brown-Vialetto-van Laere syndrome 2. Last evaluated: 2024-03-18. Review status: criteria provided, single submitter. Criteria: Invitae Variant Classification Sherloc (09022015). Collection method: clinical testing. Allele origin: germline.
Comment: This sequence change replaces serine, which is neutral and polar, with leucine, which is neutral and non-polar, at codon 146 of the SLC52A2 protein (p.Ser146Leu). This variant is present in population databases (rs782792016, gnomAD 0.0009%). This variant has not been reported in the literature in individuals affected with SLC52A2-related conditions. ClinVar contains an entry for this variant (Variation ID: 2084190). Advanced modeling of protein sequence and biophysical properties (such as structural, functional, and spatial information, amino acid conservation, physicochemical variation, residue mobility, and thermodynamic stability) performed at Invitae indicates that this missense variant is not expected to disrupt SLC52A2 protein function with a negative predictive value of 80%. In summary, the available evidence is currently insufficient to determine the role of this variant in disease. Therefore, it has been classified as a Variant of Uncertain Significance.

NM_001363118.2(SLC52A2):c.437C>T (p.Ser146Leu)

Gene: SLC52A2 (solute carrier family 52 member 2; plus strand). Cytogenetic location: 8q24.3.
Variant type: single nucleotide variant.
Coding change: c.437C>T on transcript NM_001363118.2 (MANE Select); coding-DNA position 437, C replaced by T.
Protein change: p.Ser146Leu; replaces serine 146 with leucine.
Molecular consequence: missense variant. On other transcripts: non-coding transcript variant (1), intron variant (1).
Genome position (GRCh38, 1-based): chr8:144,359,929, C>T. VCF-style: chr8-144359929-C-T. GRCh37 (hg19) VCF-style: chr8-145583589-C-T.
Other names: c.437C>T, p.Ser146Leu (NM_001253815.2, NM_001253816.2, NM_001363120.2 and 2 more transcripts); c.173C>T, p.Ser58Leu (NM_001410949.1); c.131-186C>T (NM_001363122.2); short protein forms S146L, S58L.
Identifiers: ClinVar variation 2084190 (VCV002084190.4), dbSNP rs782792016, ClinGen allele CA4938194.
Genomic context (GRCh38, chr8:144,359,929, plus strand): 5'-GTGCCTCGAATGTCACTTTCCTGCCCTTCTTGAGCCACCTGCCACCTCGCTTCTTACGGT[C>T]ATTCTTCCTGGGTCAAGGCCTGAGTGCCCTGCTGCCCTGCGTGCTGGCCCTAGTGCAGGG-3'
Protein context (NP_001350047.1, residues 136-156): LSHLPPRFLR[Ser146Leu]FFLGQGLSAL